The following is an entry in ClinVar:

NM_017757.3(ZNF407):c.3679C>T (p.Arg1227Cys)

Gene: ZNF407 (zinc finger protein 407; plus strand). Cytogenetic location: 18q22.3.
Variant type: single nucleotide variant.
Coding change: c.3679C>T on transcript NM_017757.3 (MANE Select); coding-DNA position 3679, C replaced by T.
Protein change: p.Arg1227Cys; replaces arginine 1227 with cysteine.
Molecular consequence: missense variant.
Genome position (GRCh38, 1-based): chr18:74,634,698, C>T. VCF-style: chr18-74634698-C-T. GRCh37 (hg19) VCF-style: chr18-72346654-C-T.
Other names: c.3679C>T, p.Arg1227Cys (NM_001146189.1, NM_001146190.1, NM_001384475.1); short protein forms R1227C.
Identifiers: ClinVar variation 3371075 (VCV003371075.1).

ClinVar aggregate classification (germline): Uncertain significance (1 of 4 stars; one submission).

gnomAD v4.1: 12 of 1,613,880 alleles (0.00074%); highest among the groups gnomAD compares: African/African-American, 0.0027%; no homozygotes.

Submission:

GeneDx
Classification: Uncertain significance. Last evaluated: 2024-03-20. Review status: criteria provided, single submitter. Criteria: GeneDx Variant Classification Process June 2021. Collection method: clinical testing. Allele origin: germline. Affected: yes.
Comment: In silico analysis supports that this missense variant does not alter protein structure/function; Has not been previously published as pathogenic or benign to our knowledge